The following is an entry in ClinVar:

NM_002439.5(MSH3):c.2489C>G (p.Thr830Ser)

Gene: MSH3 (mutS homolog 3; plus strand). Cytogenetic location: 5q14.1.
Variant type: single nucleotide variant.
Coding change: c.2489C>G on transcript NM_002439.5 (MANE Select); coding-DNA position 2489, C replaced by G.
Protein change: p.Thr830Ser; replaces threonine 830 with serine.
Molecular consequence: missense variant.
Genome position (GRCh38, 1-based): chr5:80,787,618, C>G. VCF-style: chr5-80787618-C-G. GRCh37 (hg19) VCF-style: chr5-80083437-C-G.
Other names: short protein forms T830S.
Identifiers: ClinVar variation 2586060 (VCV002586060.2), dbSNP rs1744532327, ClinGen allele CA360283223.
Genomic context (GRCh38, chr5:80,787,618, plus strand): 5'-TCCGTAGGAAATTCAGTGAACATTATCACTCCTTGTGTAAAGCAGTGCATCACCTAGCAA[C>G]TGTTGACTGCATTTTCTCCCTGGCCAAGGTCGCTAAGCAAGGAGATTACTGCAGGTAAGA-3'
Protein context (NP_002430.3, residues 820-840): SLCKAVHHLA[Thr830Ser]VDCIFSLAKV

ClinVar aggregate classification (germline): Uncertain significance (1 of 4 stars; one submission).

Conditions:
Hereditary cancer-predisposing syndrome. Also called: Hereditary neoplastic syndrome; Tumor predisposition; Hereditary Cancer Syndrome; Neoplastic Syndromes, Hereditary. Identifiers: Orphanet 140162, MedGen C0027672, MeSH D009386, MONDO:0015356.

Submission:

Ambry Genetics
Classification: Uncertain significance for Hereditary cancer-predisposing syndrome. Last evaluated: 2023-06-30. Review status: criteria provided, single submitter. Criteria: Ambry Variant Classification Scheme 2023. Collection method: clinical testing. Allele origin: germline.
Comment: The p.T830S variant (also known as c.2489C>G), located in coding exon 18 of the MSH3 gene, results from a C to G substitution at nucleotide position 2489. The threonine at codon 830 is replaced by serine, an amino acid with similar properties. This amino acid position is conserved. In addition, the in silico prediction for this alteration is inconclusive. Since supporting evidence is limited at this time, the clinical significance of this alteration remains unclear.